The following is an entry in ClinVar:

NM_005896.4(IDH1):c.276G>T (p.Trp92Cys)

Gene: IDH1 (isocitrate dehydrogenase (NADP(+)) 1; minus strand). Cytogenetic location: 2q34.
Variant type: single nucleotide variant.
Coding change: c.276G>T on transcript NM_005896.4 (MANE Select); coding-DNA position 276, G replaced by T.
Protein change: p.Trp92Cys; replaces tryptophan 92 with cysteine.
Molecular consequence: missense variant.
Genome position (GRCh38, 1-based): chr2:208,248,507, C>A on the plus strand (G>T on the coding strand, the complement: IDH1 is on the minus strand). VCF-style: chr2-208248507-C-A. GRCh37 (hg19) VCF-style: chr2-209113231-C-A.
Other names: c.276G>T, p.Trp92Cys (NM_001282386.1, NM_001282387.1); short protein forms W92C.
Identifiers: ClinVar variation 1795797 (VCV001795797.2), dbSNP rs2124863290, ClinGen allele CA350101770.

ClinVar aggregate classification (germline): Uncertain significance (1 of 4 stars; one submission).

Submission:

Ambry Genetics
Classification: Uncertain significance. Last evaluated: 2022-08-29. Review status: criteria provided, single submitter. Criteria: Ambry Variant Classification Scheme 2023. Collection method: clinical testing. Allele origin: germline.
Comment: The p.W92C variant (also known as c.276G>T), located in coding exon 2 of the IDH1 gene, results from a G to T substitution at nucleotide position 276. The tryptophan at codon 92 is replaced by cysteine, an amino acid with highly dissimilar properties. This amino acid position is conserved. In addition, this alteration is predicted to be deleterious by in silico analysis. Since supporting evidence is limited at this time, the clinical significance of this alteration remains unclear.